The following is an entry in ClinVar:

NM_024407.5(NDUFS7):c.54-204G>A

Gene: NDUFS7 (NADH:ubiquinone oxidoreductase core subunit S7; plus strand). Cytogenetic location: 19p13.3.
Variant type: single nucleotide variant.
Coding change: c.54-204G>A on transcript NM_024407.5 (MANE Select); 204 bases into the intron before coding-DNA position 54, G replaced by A.
Molecular consequence: intron variant.
Genome position (GRCh38, 1-based): chr19:1,388,321, G>A. VCF-style: chr19-1388321-G-A. GRCh37 (hg19) VCF-style: chr19-1388320-G-A.
Other names: c.54-204G>A (NM_001363602.2).
Identifiers: ClinVar variation 683138 (VCV000683138.2), dbSNP rs7254913, ClinGen allele CA14650837.

ClinVar aggregate classification (germline): Benign. Review status: criteria provided, multiple submitters, no conflicts (2 of 4 stars). 2 submissions from 2 submitters: Benign (2). Last evaluated 2018-06-14.

Allele frequency attached by ClinVar (database versions not stated): gnomAD exomes 0.64180; gnomAD 0.64405 and 0.64445; 1000 Genomes Project 0.64996; 1000 Genomes Project 30x 0.65116; TOPMed 0.65162.
gnomAD v4.1: 399,539 of 621,818 alleles (64%); highest among the groups gnomAD compares: South Asian, 71%; 129,218 homozygotes.

Submissions (2):

GeneDx
Classification: Benign. Last evaluated: 2018-06-14. Review status: criteria provided, single submitter. Criteria: GeneDx Variant Classification (06012015). Collection method: clinical testing. Allele origin: germline. Affected: yes.
Comment: This variant is considered likely benign or benign based on one or more of the following criteria: it is a conservative change, it occurs at a poorly conserved position in the protein, it is predicted to be benign by multiple in silico algorithms, and/or has population frequency not consistent with disease.

Breakthrough Genomics
Classification: Benign. Review status: criteria provided, single submitter. Criteria: ACMG Guidelines, 2015. Collection method: not provided. Allele origin: germline. Inheritance: Autosomal recessive inheritance. Affected: yes.